The following is an entry in ClinVar:

ClinVar aggregate classification (germline): Uncertain significance. Review status: criteria provided, multiple submitters, no conflicts (2 of 4 stars). 3 submissions from 3 submitters: Uncertain significance (3). Last evaluated 2024-01-02.

Conditions:
Hereditary cancer-predisposing syndrome. Also called: Neoplastic Syndromes, Hereditary; Tumor predisposition; Hereditary neoplastic syndrome; Hereditary Cancer Syndrome. Identifiers: Orphanet 140162, MedGen C0027672, MeSH D009386, MONDO:0015356.
Familial adenomatous polyposis 1 (FAP1). Also called: POLYPOSIS, ADENOMATOUS INTESTINAL; FAMILIAL ADENOMATOUS POLYPOSIS 1, ATTENUATED. Identifiers: MedGen C2713442, MONDO:0021056, OMIM 175100. Disease mechanism: loss of function.

Submissions (3):

Ambry Genetics
Classification: Uncertain significance for Hereditary cancer-predisposing syndrome. Last evaluated: 2024-01-02. Review status: criteria provided, single submitter. Criteria: Ambry Variant Classification Scheme 2023. Collection method: clinical testing. Allele origin: germline.
Comment: The p.Y133C variant (also known as c.398A>G), located in coding exon 3 of the APC gene, results from an A to G substitution at nucleotide position 398. The tyrosine at codon 133 is replaced by cysteine, an amino acid with highly dissimilar properties. This alteration was identified in an individual diagnosed with familial adenomatous polyposis; however, the individual was also found to carry APC c.4391_4700del310insCACCTACTGCTGAAA which most likely caused the diagnosis (Ponz de Leon M et al. Fam Cancer, 2014 Sep;13:375-80). This amino acid position is highly conserved in available vertebrate species. In addition, in silico predictors for this gene do not accurately predict pathogenicity. Since supporting evidence is limited at this time, the clinical significance of this alteration remains unclear.

Labcorp Genetics (formerly Invitae), Labcorp
Classification: Uncertain significance for Familial adenomatous polyposis 1. Last evaluated: 2022-06-11. Review status: criteria provided, single submitter. Criteria: Invitae Variant Classification Sherloc (09022015). Collection method: clinical testing. Allele origin: germline.
Comment: In summary, the available evidence is currently insufficient to determine the role of this variant in disease. Therefore, it has been classified as a Variant of Uncertain Significance. Algorithms developed to predict the effect of missense changes on protein structure and function (SIFT, PolyPhen-2, Align-GVGD) all suggest that this variant is likely to be disruptive. ClinVar contains an entry for this variant (Variation ID: 629302). This variant has not been reported in the literature in individuals affected with APC-related conditions. This variant is not present in population databases (gnomAD no frequency). This sequence change replaces tyrosine, which is neutral and polar, with cysteine, which is neutral and slightly polar, at codon 133 of the APC protein (p.Tyr133Cys).

Color Diagnostics, LLC DBA Color Health
Classification: Uncertain significance for Hereditary cancer-predisposing syndrome. Last evaluated: 2019-06-03. Review status: criteria provided, single submitter. Criteria: ACMG Guidelines, 2015. Collection method: clinical testing. Allele origin: germline.

Literature cited by the submitters: PubMed 24770791 (cited by Ambry Genetics).

NM_000038.6(APC):c.398A>G (p.Tyr133Cys)

Gene: APC (APC regulator of Wnt signaling pathway; plus strand). Cytogenetic location: 5q22.2.
Variant type: single nucleotide variant.
Coding change: c.398A>G on transcript NM_000038.6 (MANE Select); coding-DNA position 398, A replaced by G.
Protein change: p.Tyr133Cys; replaces tyrosine 133 with cysteine.
Molecular consequence: missense variant. On other transcripts: 5 prime UTR variant (1).
Genome position (GRCh38, 1-based): chr5:112,767,366, A>G. VCF-style: chr5-112767366-A-G. GRCh37 (hg19) VCF-style: chr5-112103063-A-G.
Other names: c.398A>G, p.Tyr133Cys (NM_001127510.3, NM_001354895.2, NM_001354896.2 and 2 more transcripts); c.428A>G, p.Tyr143Cys (NM_001127511.3, NM_001354897.2, NM_001354902.2); c.323A>G, p.Tyr108Cys (NM_001354898.2, NM_001354904.2); c.221A>G, p.Tyr74Cys (NM_001354900.2, NM_001354901.2, NM_001354905.2); c.-638A>G (NM_001354906.2); short protein forms Y133C, Y143C, Y108C, Y74C.
Identifiers: ClinVar variation 629302 (VCV000629302.12), dbSNP rs1561465075, ClinGen allele CA16022187.